The following is an entry in ClinVar:

NM_006073.4(TRDN):c.1132G>A (p.Glu378Lys)

Gene: TRDN (triadin; minus strand). Cytogenetic location: 6q22.31.
Variant type: single nucleotide variant.
Coding change: c.1132G>A on transcript NM_006073.4 (MANE Select); coding-DNA position 1132, G replaced by A.
Protein change: p.Glu378Lys; replaces glutamic acid 378 with lysine.
Molecular consequence: missense variant.
Genome position (GRCh38, 1-based): chr6:123,388,525, C>T on the plus strand (G>A on the coding strand, the complement: TRDN is on the minus strand). VCF-style: chr6-123388525-C-T. GRCh37 (hg19) VCF-style: chr6-123709670-C-T.
Other names: c.1135G>A, p.Glu379Lys (NM_001251987.2); short protein forms E378K, E379K.
Identifiers: ClinVar variation 1037392 (VCV001037392.9), dbSNP rs1330602239, ClinGen allele CA365567032.

ClinVar aggregate classification (germline): Uncertain significance (1 of 4 stars; one submission).

Conditions:
Catecholaminergic polymorphic ventricular tachycardia 1. Also called: RYR2-Related Catecholaminergic Polymorphic Ventricular Tachycardia; VENTRICULAR TACHYCARDIA, STRESS-INDUCED POLYMORPHIC 1; VENTRICULAR TACHYCARDIA, CATECHOLAMINERGIC POLYMORPHIC, 1, WITH OR WITHOUT ATRIAL DYSFUNCTION AND/OR DILATED CARDIOMYOPATHY. Identifiers: Orphanet 3286, MedGen C1631597, MONDO:0011484, OMIM 604772.

Allele frequency attached by ClinVar (database versions not stated): gnomAD exomes below 0.00001; TOPMed 0.00001.
gnomAD v4.1: 4 of 1,587,242 alleles (0.00025%); highest among the groups gnomAD compares: East Asian, 0.0023%; no homozygotes.

Submission:

Labcorp Genetics (formerly Invitae), Labcorp
Classification: Uncertain significance for Catecholaminergic polymorphic ventricular tachycardia 1. Last evaluated: 2020-08-20. Review status: criteria provided, single submitter. Criteria: Invitae Variant Classification Sherloc (09022015). Collection method: clinical testing. Allele origin: germline.
Comment: This sequence change replaces glutamic acid with lysine at codon 378 of the TRDN protein (p.Glu378Lys). The glutamic acid residue is moderately conserved and there is a small physicochemical difference between glutamic acid and lysine. This variant is not present in population databases (ExAC no frequency). This variant has not been reported in the literature in individuals with TRDN-related conditions. Algorithms developed to predict the effect of missense changes on protein structure and function are either unavailable or do not agree on the potential impact of this missense change (SIFT: "Deleterious"; PolyPhen-2: "Probably Damaging"; Align-GVGD: "Class C0"). In summary, the available evidence is currently insufficient to determine the role of this variant in disease. Therefore, it has been classified as a Variant of Uncertain Significance.